The following is an entry in ClinVar:

ClinVar aggregate classification (germline): Pathogenic (1 of 4 stars; one submission).

Conditions:
Marfan syndrome (MFS). Also called: FBN1-Related Marfan Syndrome; MARFAN SYNDROME, TYPE I; Marfan syndrome type 1; Marfan's syndrome; Marfan syndrome, classic. Identifiers: Orphanet 284963, Orphanet 558, MedGen C0024796, MONDO:0007947, OMIM 154700.
Familial thoracic aortic aneurysm and aortic dissection (TAAD). Also called: Thoracic aortic aneurysms and dissections. Identifiers: Orphanet 91387, MedGen C4707243, MONDO:0019625.

Submission:

Labcorp Genetics (formerly Invitae), Labcorp
Classification: Pathogenic for Marfan syndrome; Familial thoracic aortic aneurysm and aortic dissection. Last evaluated: 2025-12-24. Review status: criteria provided, single submitter. Criteria: Invitae Variant Classification Sherloc (09022015). Collection method: clinical testing. Allele origin: germline.
Comment: This sequence change creates a premature translational stop signal (p.Lys2725Asnfs*27) in the FBN1 gene. While this is not anticipated to result in nonsense mediated decay, it is expected to disrupt the last 147 amino acid(s) of the FBN1 protein. This variant is not present in population databases (gnomAD no frequency). This variant has not been reported in the literature in individuals affected with FBN1-related conditions. This variant disrupts a region of the FBN1 protein in which other variant(s) (p.Gln2867*) have been determined to be pathogenic (PMID: 19293843). This suggests that this is a clinically significant region of the protein, and that variants that disrupt it are likely to be disease-causing. For these reasons, this variant has been classified as Pathogenic.

Literature cited by the submitters: PubMed 19293843.

NM_000138.5(FBN1):c.8172del (p.Lys2725fs)

Gene: FBN1 (fibrillin 1; minus strand). Cytogenetic location: 15q21.1.
Variant type: Deletion.
Coding change: c.8172del on transcript NM_000138.5 (MANE Select); coding-DNA position 8172, one base deleted (C; older notation c.8172delC).
Protein change: p.Lys2725fs; shifts the reading frame from lysine 2725.
Molecular consequence: frameshift variant.
Genome position (GRCh38, 1-based): chr15:48,412,623, G deleted on the plus strand (C on the coding strand, the reverse complement: FBN1 is on the minus strand); the first of 4 consecutive G bases (chr15:48,412,623-48,412,626); deleting any one gives the same sequence. VCF-style (leftmost placement, unchanged base first): chr15-48412622-TG-T. GRCh37 (hg19) VCF-style: chr15-48704819-TG-T.
Other names: c.8172del, p.Lys2725fs (NM_001406716.1); short protein forms K2725fs.
Identifiers: ClinVar variation 4787112 (VCV004787112.1).